The following is an entry in ClinVar:

NM_007126.3(VCP):c.-360G>C

Gene: VCP (valosin containing protein; minus strand). Cytogenetic location: 9p13.3.
Variant type: single nucleotide variant.
Coding change: c.-360G>C on transcript NM_007126.3; 360 bases upstream of the start codon, G replaced by C.
Genome position (GRCh38, 1-based): chr9:35,072,713, C>G on the plus strand (G>C on the coding strand, the complement: VCP is on the minus strand). VCF-style: chr9-35072713-C-G. GRCh37 (hg19) VCF-style: chr9-35072710-C-G.
Identifiers: ClinVar variation 3352441 (VCV003352441.3).
Genomic context (GRCh38, chr9:35,072,713, plus strand): 5'-GGGAAGCTGCTCCCACCTCAGCCAATCAGCGCCTGCCCTGCGGACTCTCGCCCGCCTCTC[C>G]GCGCCTCTCCCCAGCAACCCGCAGATCACAGCCAATCAGGAAATTCGCTTGCGGCCTGGC-3'

ClinVar aggregate classification (germline): Uncertain significance. Review status: criteria provided, multiple submitters, no conflicts (2 of 4 stars). 2 submissions from 2 submitters: Uncertain significance (2). Last evaluated 2025-10-20.

Conditions:
VCP-related disorder. Also called: VCP-related condition; VCP-related disorders.

Submissions (2):

PreventionGenetics, part of Exact Sciences
Classification: Uncertain significance for VCP-related condition. Last evaluated: 2025-10-20. Review status: criteria provided, single submitter. Criteria: ACMG Guidelines, 2015. Collection method: clinical testing. Allele origin: germline.
Comment: The VCP c.-360G>C variant is located in the 5' untranslated region. This variant has been reported, along with the C9orf72 hexanucleotide repeat expansion, in an individual with a personal and family history of amyotrophic lateral sclerosis (ALS) and is located in a predicted transcription factor binding site for MAZ. (Kwok et al. 2015. PubMed ID: 25618255). This variant has not been reported in a large population database (gnomAD), indicating this variant is rare. Although we suspect that this variant may be pathogenic, at this time, the clinical significance of this variant is uncertain due to the absence of conclusive functional and genetic evidence.

GeneDx
Classification: Uncertain significance. Last evaluated: 2025-01-07. Review status: criteria provided, single submitter. Criteria: GeneDx Variant Classification Process June 2021. Collection method: clinical testing. Allele origin: germline. Affected: yes.
Comment: Reported previously in a patient with a diagnosis of bulbar-onset ALS; the patient's mother and brother also had a diagnosis of ALS (PMID: 25618255); Nucleotide is not conserved across species and the substitution has no predicted effect on splicing; No data available from control populations to assess the frequency of this variant; Located in a regulatory region; in the absence of functional studies, the actual effect of this sequence change is unknown; This variant is associated with the following publications: (PMID: 25618255)